The following is an entry in ClinVar:

ClinVar aggregate classification (germline): Uncertain significance. Review status: criteria provided, multiple submitters, no conflicts (2 of 4 stars). 2 submissions from 2 submitters: Uncertain significance (2). Last evaluated 2022-10-13.

Conditions:
Hereditary cancer-predisposing syndrome. Also called: Hereditary neoplastic syndrome; Tumor predisposition; Neoplastic Syndromes, Hereditary; Hereditary Cancer Syndrome. Identifiers: Orphanet 140162, MedGen C0027672, MeSH D009386, MONDO:0015356.

Submissions (2):

Ambry Genetics
Classification: Uncertain significance for Hereditary cancer-predisposing syndrome. Last evaluated: 2022-10-13. Review status: criteria provided, single submitter. Criteria: Ambry Variant Classification Scheme 2023. Collection method: clinical testing. Allele origin: germline.
Comment: The p.N709D variant (also known as c.2125A>G), located in coding exon 15 of the APC gene, results from an A to G substitution at nucleotide position 2125. The asparagine at codon 709 is replaced by aspartic acid, an amino acid with highly similar properties. This amino acid position is highly conserved in available vertebrate species. In addition, in silico predictors for this gene do not accurately predict pathogenicity. Since supporting evidence is limited at this time, the clinical significance of this alteration remains unclear.

GeneDx
Classification: Uncertain significance. Last evaluated: 2015-05-12. Review status: criteria provided, single submitter. Criteria: GeneDx Variant Classification (06012015). Collection method: clinical testing. Allele origin: germline. Affected: yes.
Comment: This variant is denoted APC c.2125A>G at the cDNA level, p.Asn709Asp (N709D) at the protein level, and results in the change of an Asparagine to an Aspartic Acid (AAC>GAC). This variant has not, to our knowledge, been published in the literature as pathogenic or benign. APC Asn709Asp was not observed in approximately 6,500 individuals of European and African American ancestry in the NHLBI Exome Sequencing Project, indicating it is not a common benign variant in these populations. Since Asparagine and Aspartic Acid differ in some properties, this is considered a semi-conservative amino acid substitution. APC Asn709Asp occurs at a position that is conserved across species and is located in the ARM 6 repeat (UniProt) in the armadillo region (Azzopardi 2008). In silico analyses predict that this variant is probably damaging to protein structure and function. Based on currently available information, it is unclear whether APC Asn709Asp is pathogenic or benign. We consider it to be a variant of uncertain significance.

NM_000038.6(APC):c.2125A>G (p.Asn709Asp)

Gene: APC (APC regulator of Wnt signaling pathway; plus strand). Cytogenetic location: 5q22.2.
Variant type: single nucleotide variant.
Coding change: c.2125A>G on transcript NM_000038.6 (MANE Select); coding-DNA position 2125, A replaced by G.
Protein change: p.Asn709Asp; replaces asparagine 709 with aspartic acid.
Molecular consequence: missense variant.
Genome position (GRCh38, 1-based): chr5:112,837,719, A>G. VCF-style: chr5-112837719-A-G. GRCh37 (hg19) VCF-style: chr5-112173416-A-G.
Other names: c.2125A>G, p.Asn709Asp (NM_001127510.3, NM_001354895.2); c.2071A>G, p.Asn691Asp (NM_001127511.3); c.2179A>G, p.Asn727Asp (NM_001354896.2); c.2155A>G, p.Asn719Asp (NM_001354897.2); c.2050A>G, p.Asn684Asp (NM_001354898.2); c.2041A>G, p.Asn681Asp (NM_001354899.2); c.2002A>G, p.Asn668Asp (NM_001354900.2); c.1948A>G, p.Asn650Asp (NM_001354901.2); and 5 more; short protein forms N691D, N709D, N608D, N618D, N719D, N650D, N668D, N684D.
Identifiers: ClinVar variation 419038 (VCV000419038.4), dbSNP rs1064793601, ClinGen allele CA16025976.